The following is an entry in ClinVar:

ClinVar aggregate classification (germline): Uncertain significance (1 of 4 stars; one submission).

Conditions:
Pulmonary fibrosis and/or bone marrow failure, Telomere-related, 3. Also called: PULMONARY FIBROSIS AND/OR BONE MARROW FAILURE SYNDROME, TELOMERE-RELATED, 3. Identifiers: Orphanet 2032, MedGen C4225346, MONDO:0014613, OMIM 616373.
Dyskeratosis congenita, autosomal recessive 5 (DKCB5). Identifiers: MedGen C3554656, MONDO:0014076, OMIM 615190.

gnomAD v4.1: 3 of 1,581,438 alleles (0.00019%); highest among the groups gnomAD compares: Non-Finnish European, 0.00017%; no homozygotes.

Submission:

Labcorp Genetics (formerly Invitae), Labcorp
Classification: Uncertain significance for Dyskeratosis congenita, autosomal recessive 5; Pulmonary fibrosis and/or bone marrow failure, Telomere-related, 3. Last evaluated: 2024-08-31. Review status: criteria provided, single submitter. Criteria: Invitae Variant Classification Sherloc (09022015). Collection method: clinical testing. Allele origin: germline.
Comment: This sequence change replaces valine, which is neutral and non-polar, with leucine, which is neutral and non-polar, at codon 255 of the RTEL1 protein (p.Val255Leu). This variant is not present in population databases (gnomAD no frequency). This variant has not been reported in the literature in individuals affected with RTEL1-related conditions. An algorithm developed to predict the effect of missense changes on protein structure and function (PolyPhen-2) suggests that this variant is likely to be tolerated. In summary, the available evidence is currently insufficient to determine the role of this variant in disease. Therefore, it has been classified as a Variant of Uncertain Significance.

NM_001283009.2(RTEL1):c.763G>C (p.Val255Leu)

Genes: RTEL1 (regulator of telomere elongation helicase 1; plus strand), RTEL1-TNFRSF6B (RTEL1-TNFRSF6B readthrough (NMD candidate); plus strand). Cytogenetic location: 20q13.33.
Variant type: single nucleotide variant.
Coding change: c.763G>C on transcript NM_001283009.2 (MANE Select); coding-DNA position 763, G replaced by C.
Protein change: p.Val255Leu; replaces valine 255 with leucine.
Molecular consequence: missense variant. On other transcripts: non-coding transcript variant (1).
Genome position (GRCh38, 1-based): chr20:63,672,619, G>C. VCF-style: chr20-63672619-G-C. GRCh37 (hg19) VCF-style: chr20-62303972-G-C.
Other names: c.94G>C, p.Val32Leu (NM_001283010.1); c.763G>C, p.Val255Leu (NM_016434.4); c.835G>C, p.Val279Leu (NM_032957.5); short protein forms V255L, V279L, V32L.
Identifiers: ClinVar variation 3748438 (VCV003748438.2).
Genomic context (GRCh38, chr20:63,672,619, plus strand): 5'-CGCAGAGCACACAACATTGACCTGAAGGGGACAGTCGTGATCTTTGACGAAGCTCACAAC[G>C]TGGTGAGTCTCCGCTGGCCTCCTAAACACCTCCTATTGCTTCTGGCCTTTTTGTCAAGAG-3'
Protein context (NP_001269938.1, residues 245-265): TVVIFDEAHN[Val255Leu]EKMCEESASF